The following is an entry in ClinVar:

NM_020812.4(DOCK6):c.1761+6T>C

Gene: DOCK6 (dedicator of cytokinesis 6; minus strand). Cytogenetic location: 19p13.2.
Variant type: single nucleotide variant.
Coding change: c.1761+6T>C on transcript NM_020812.4 (MANE Select); 6 bases into the intron after coding-DNA position 1761, T replaced by C.
Molecular consequence: intron variant.
Genome position (GRCh38, 1-based): chr19:11,238,181, A>G on the plus strand (T>C on the coding strand, the complement: DOCK6 is on the minus strand). VCF-style: chr19-11238181-A-G. GRCh37 (hg19) VCF-style: chr19-11348857-A-G.
Other names: c.1761+6T>C (NM_001367830.1).
Identifiers: ClinVar variation 782053 (VCV000782053.34), dbSNP rs200659753, ClinGen allele CA9207873.

ClinVar aggregate classification (germline): Benign/Likely benign. Review status: criteria provided, multiple submitters, no conflicts (2 of 4 stars). 2 submissions from 2 submitters: Benign (1); Likely benign (1). Last evaluated 2026-01-19.

Allele frequency attached by ClinVar (database versions not stated): gnomAD 0.00016; TOPMed 0.00035; ExAC 0.00045; gnomAD exomes 0.00049; ESP Exome Variant Server 0.00056.
gnomAD v4.1: 443 of 1,613,522 alleles (0.027%); highest among the groups gnomAD compares: Middle Eastern, 0.016%; 2 homozygotes.

Submissions (4):

Labcorp Genetics (formerly Invitae), Labcorp
Classification: Benign. Last evaluated: 2026-01-19. Review status: criteria provided, single submitter. Criteria: Invitae Variant Classification Sherloc (09022015). Collection method: clinical testing. Allele origin: germline.

CeGaT Center for Human Genetics Tuebingen
Classification: Likely benign. Last evaluated: 2023-10-01. Review status: criteria provided, single submitter. Criteria: CeGaT Center For Human Genetics Tuebingen Variant Classification Criteria Version 2. Collection method: clinical testing. Allele origin: germline. Affected: yes. Observed: 1 variant allele.
Comment: DOCK6: BP4, BS1

Dr. Peter K. Rogan Lab, Western University
No classification provided (evidence only). Condition: Clear cell carcinoma of kidney. Review status: no classification provided. Collection method: in vitro. Allele origin: not applicable. Functional consequence: retained intron. Not counted in ClinVar's aggregate classification.

Dr. Peter K. Rogan Lab, Western University
No classification provided (evidence only). Condition: Nonpapillary renal cell carcinoma. Review status: no classification provided. Collection method: in vitro. Allele origin: not applicable. Functional consequence: skipped exon, retained intron. Not counted in ClinVar's aggregate classification.